The following is an entry in ClinVar:

NM_000548.5(TSC2):c.5103G>A (p.Lys1701=)

Gene: TSC2 (TSC complex subunit 2; plus strand). Cytogenetic location: 16p13.3.
Variant type: single nucleotide variant.
Coding change: c.5103G>A on transcript NM_000548.5 (MANE Select); coding-DNA position 5103, G replaced by A.
Protein change: p.Lys1701=; no amino-acid change (lysine 1701 retained).
Molecular consequence: synonymous variant.
Genome position (GRCh38, 1-based): chr16:2,088,082, G>A. VCF-style: chr16-2088082-G-A. GRCh37 (hg19) VCF-style: chr16-2138083-G-A.
Other names: c.4902G>A, p.Lys1634= (NM_001077183.3); c.5034G>A, p.Lys1678= (NM_001114382.3); c.4794G>A, p.Lys1598= (NM_001318827.2); c.4758G>A, p.Lys1586= (NM_001318829.2); c.4371G>A, p.Lys1457= (NM_001318831.2); c.4935G>A, p.Lys1645= (NM_001318832.2); c.4905G>A, p.Lys1635= (NM_001363528.2); c.4971G>A, p.Lys1657= (NM_001370404.1); and 1 more.
Identifiers: ClinVar variation 751658 (VCV000751658.13), dbSNP rs768476974, ClinGen allele CA493043646.

ClinVar aggregate classification (germline): Benign/Likely benign. Review status: criteria provided, multiple submitters, no conflicts (2 of 4 stars). 3 submissions from 3 submitters: Benign (1); Likely benign (2). Last evaluated 2025-06-06.

Conditions:
Tuberous sclerosis 2 (TSC2). Identifiers: Orphanet 805, MedGen C1860707, MONDO:0013199, OMIM 613254.
Hereditary cancer-predisposing syndrome. Also called: Tumor predisposition; Hereditary Cancer Syndrome; Neoplastic Syndromes, Hereditary; Hereditary neoplastic syndrome. Identifiers: Orphanet 140162, MedGen C0027672, MeSH D009386, MONDO:0015356.

gnomAD v4.1: 1 of 1,612,806 alleles (0.000062%); highest among the groups gnomAD compares: South Asian, 0.0011%; no homozygotes.

Submissions (3):

Myriad Genetics, Inc.
Classification: Benign for Tuberous sclerosis 2. Last evaluated: 2025-06-06. Review status: criteria provided, single submitter. Criteria: Myriad Autosomal Dominant, Autosomal Recessive and X-Linked Classification Criteria (2023). Collection method: clinical testing. Allele origin: unknown.
Comment: This variant is considered benign. This variant is a silent/synonymous amino acid change and it is not expected to impact splicing.

Ambry Genetics
Classification: Likely benign for Hereditary cancer-predisposing syndrome. Last evaluated: 2023-03-19. Review status: criteria provided, single submitter. Criteria: Ambry Variant Classification Scheme 2023. Collection method: clinical testing. Allele origin: germline.

Labcorp Genetics (formerly Invitae), Labcorp
Classification: Likely benign for Tuberous sclerosis 2. Last evaluated: 2022-07-18. Review status: criteria provided, single submitter. Criteria: Invitae Variant Classification Sherloc (09022015). Collection method: clinical testing. Allele origin: germline.